The following is an entry in ClinVar:

NM_177438.3(DICER1):c.2788G>T (p.Ala930Ser)

Gene: DICER1 (dicer 1, ribonuclease III; minus strand). Cytogenetic location: 14q32.13.
Variant type: single nucleotide variant.
Coding change: c.2788G>T on transcript NM_177438.3 (MANE Select); coding-DNA position 2788, G replaced by T.
Protein change: p.Ala930Ser; replaces alanine 930 with serine.
Molecular consequence: missense variant.
Genome position (GRCh38, 1-based): chr14:95,107,624, C>A on the plus strand (G>T on the coding strand, the complement: DICER1 is on the minus strand). VCF-style: chr14-95107624-C-A. GRCh37 (hg19) VCF-style: chr14-95573961-C-A.
Other names: c.2788G>T, p.Ala930Ser (NM_001195573.1, NM_001271282.3, NM_001291628.2 and 1 more transcripts); short protein forms A930S.
Identifiers: ClinVar variation 1352096 (VCV001352096.9), dbSNP rs1595378809, ClinGen allele CA390879429.

ClinVar aggregate classification (germline): Uncertain significance (1 of 4 stars; one submission).

Conditions:
DICER1-related tumor predisposition. Also called: DICER1 syndrome; DICER1-related pleuropulmonary blastoma cancer predisposition syndrome. Identifiers: Orphanet 284343, MedGen C3839822, MONDO:0100216.

Submission:

Labcorp Genetics (formerly Invitae), Labcorp
Classification: Uncertain significance for DICER1-related tumor predisposition. Last evaluated: 2021-05-07. Review status: criteria provided, single submitter. Criteria: Invitae Variant Classification Sherloc (09022015). Collection method: clinical testing. Allele origin: germline.
Comment: In summary, the available evidence is currently insufficient to determine the role of this variant in disease. Therefore, it has been classified as a Variant of Uncertain Significance. Algorithms developed to predict the effect of missense changes on protein structure and function (SIFT, PolyPhen-2, Align-GVGD) all suggest that this variant is likely to be disruptive, but these predictions have not been confirmed by published functional studies and their clinical significance is uncertain. This variant has not been reported in the literature in individuals with DICER1-related conditions. This variant is not present in population databases (ExAC no frequency). This sequence change replaces alanine with serine at codon 930 of the DICER1 protein (p.Ala930Ser). The alanine residue is highly conserved and there is a moderate physicochemical difference between alanine and serine.